The following is an entry in ClinVar:

NM_000070.3(CAPN3):c.309+5G>A

Gene: CAPN3 (calpain 3; plus strand). Cytogenetic location: 15q15.1.
Variant type: single nucleotide variant.
Coding change: c.309+5G>A on transcript NM_000070.3 (MANE Select); 5 bases into the intron after coding-DNA position 309, G replaced by A.
Molecular consequence: intron variant.
Genome position (GRCh38, 1-based): chr15:42,360,119, G>A. VCF-style: chr15-42360119-G-A. GRCh37 (hg19) VCF-style: chr15-42652317-G-A.
Other names: c.309+5G>A (NM_024344.2, NM_173087.2).
Identifiers: ClinVar variation 3629616 (VCV003629616.1).

ClinVar aggregate classification (germline): Uncertain significance (1 of 4 stars; one submission).

Submission:

Women's Health and Genetics/Laboratory Corporation of America, LabCorp
Classification: Uncertain significance. Last evaluated: 2024-11-15. Review status: criteria provided, single submitter. Criteria: LabCorp Variant Classification Summary - May 2015. Collection method: clinical testing. Allele origin: germline.
Comment: Variant summary: CAPN3 c.309+5G>A alters a conserved nucleotide located close to a canonical splice site and therefore could affect mRNA splicing, leading to a significantly altered protein sequence. Several computational tools predict a significant impact on normal splicing: Four predict the variant weakens a 5' donor site. However, these predictions have yet to be confirmed by functional studies. The variant was absent in 248826 control chromosomes. The available data on variant occurrences in the general population are insufficient to allow any conclusion about variant significance. c.309+5G>A has been reported in the literature in a compound heterozgous individual affected with Autosomal Recessive Limb-Girdle Muscular Dystrophy (Zidkova_2023). These data do not allow any conclusion about variant significance. To our knowledge, no experimental evidence demonstrating an impact on protein function has been reported. The following publication has been ascertained in the context of this evaluation (PMID: 37526466). No submitters have cited clinical-significance assessments for this variant to ClinVar. Based on the evidence outlined above, the variant was classified as uncertain significance.

Literature cited by the submitters: PubMed 37526466.